The following is an entry in ClinVar:

ClinVar aggregate classification (germline): Uncertain significance. Review status: criteria provided, multiple submitters, no conflicts (2 of 4 stars). 3 submissions from 3 submitters: Uncertain significance (3). Last evaluated 2026-05-14.

Conditions:
Otitis media, susceptibility to (OMS). Also called: OTITIS MEDIA, CHRONIC/RECURRENT; COME/ROM. Identifiers: MedGen C1833692, MONDO:0008162, OMIM 166760.

Allele frequency attached by ClinVar (database versions not stated): gnomAD exomes below 0.00001; TOPMed below 0.00001.
gnomAD v4.1: 4 of 1,613,284 alleles (0.00025%); highest among the groups gnomAD compares: Non-Finnish European, 0.00034%; no homozygotes.

Submissions (3):

Ambry Genetics
Classification: Uncertain significance. Last evaluated: 2026-05-14. Review status: criteria provided, single submitter. Criteria: Ambry Variant Classification Scheme 2023. Collection method: clinical testing. Allele origin: germline.
Comment: The p.Y491H variant (also known as c.1471T>C), located in coding exon 12 of the A2ML1 gene, results from a T to C substitution at nucleotide position 1471. The tyrosine at codon 491 is replaced by histidine, an amino acid with similar properties. This amino acid position is conserved. In addition, the in silico prediction for this alteration is inconclusive. Based on the available evidence, the clinical significance of this variant remains unclear.

Labcorp Genetics (formerly Invitae), Labcorp
Classification: Uncertain significance. Last evaluated: 2023-05-23. Review status: criteria provided, single submitter. Criteria: Invitae Variant Classification Sherloc (09022015). Collection method: clinical testing. Allele origin: germline.
Comment: In summary, the available evidence is currently insufficient to determine the role of this variant in disease. Therefore, it has been classified as a Variant of Uncertain Significance. An algorithm developed to predict the effect of missense changes on protein structure and function (PolyPhen-2) suggests that this variant is likely to be disruptive. ClinVar contains an entry for this variant (Variation ID: 406206). This variant has not been reported in the literature in individuals affected with A2ML1-related conditions. This variant is present in population databases (no rsID available, gnomAD 0.0009%). This sequence change replaces tyrosine, which is neutral and polar, with histidine, which is basic and polar, at codon 491 of the A2ML1 protein (p.Tyr491His).

Department of Pathology and Laboratory Medicine, Sinai Health System
Classification: Uncertain significance for Otitis media, susceptibility to. Last evaluated: 2022-10-11. Review status: criteria provided, single submitter. Criteria: ACMG Guidelines, 2015. Collection method: research. Allele origin: germline.

NM_144670.6(A2ML1):c.1471T>C (p.Tyr491His)

Gene: A2ML1 (alpha-2-macroglobulin like 1; plus strand). Cytogenetic location: 12p13.31.
Variant type: single nucleotide variant.
Coding change: c.1471T>C on transcript NM_144670.6 (MANE Select); coding-DNA position 1471, T replaced by C.
Protein change: p.Tyr491His; replaces tyrosine 491 with histidine.
Molecular consequence: missense variant.
Genome position (GRCh38, 1-based): chr12:8,843,356, T>C. VCF-style: chr12-8843356-T-C. GRCh37 (hg19) VCF-style: chr12-8995952-T-C.
Other names: c.1471T>C (NM_144670.3); short protein forms Y491H.
Identifiers: ClinVar variation 406206 (VCV000406206.12), dbSNP rs1060500995, ClinGen allele CA16614068.